The following is an entry in ClinVar:

ClinVar aggregate classification (germline): Likely benign. Review status: criteria provided, multiple submitters, no conflicts (2 of 4 stars). 3 submissions from 3 submitters: Likely benign (3). Last evaluated 2024-08-20.

Conditions:
Developmental and epileptic encephalopathy 94 (DEE94). Also called: Epileptic encephalopathy, childhood-onset; CHD2-Related Neurodevelopmental Disorders. Identifiers: Orphanet 1942, Orphanet 2382, MedGen C3809278, MONDO:0014150, OMIM 615369.

gnomAD v4.1: 10 of 1,574,310 alleles (0.00064%); highest among the groups gnomAD compares: Admixed American, 0.019%; no homozygotes.

Submissions (3):

Labcorp Genetics (formerly Invitae), Labcorp
Classification: Likely benign for Developmental and epileptic encephalopathy 94. Last evaluated: 2024-08-20. Review status: criteria provided, single submitter. Criteria: Invitae Variant Classification Sherloc (09022015). Collection method: clinical testing. Allele origin: germline.

Blueprint Genetics
Classification: Likely benign. Last evaluated: 2023-09-18. Review status: criteria provided, single submitter. Criteria: ACMG Guidelines, 2015. Collection method: clinical testing. Allele origin: germline.

GeneDx
Classification: Likely benign. Last evaluated: 2017-05-25. Review status: criteria provided, single submitter. Criteria: GeneDx Variant Classification (06012015). Collection method: clinical testing. Allele origin: germline. Affected: yes.
Comment: This variant is considered likely benign or benign based on one or more of the following criteria: it is a conservative change, it occurs at a poorly conserved position in the protein, it is predicted to be benign by multiple in silico algorithms, and/or has population frequency not consistent with disease.

NM_001271.4(CHD2):c.4138-18C>T

Gene: CHD2 (chromodomain helicase DNA binding protein 2; plus strand). Cytogenetic location: 15q26.1.
Variant type: single nucleotide variant.
Coding change: c.4138-18C>T on transcript NM_001271.4 (MANE Select); 18 bases into the intron before coding-DNA position 4138, C replaced by T.
Molecular consequence: intron variant.
Genome position (GRCh38, 1-based): chr15:93,002,159, C>T. VCF-style: chr15-93002159-C-T. GRCh37 (hg19) VCF-style: chr15-93545389-C-T.
Identifiers: ClinVar variation 509807 (VCV000509807.6), dbSNP rs775111839, ClinGen allele CA7748393.